The following is an entry in ClinVar:

ClinVar aggregate classification (germline): Pathogenic (1 of 4 stars; one submission).

Submission:

Illumina Laboratory Services, Illumina
Classification: Pathogenic. Last evaluated: 2019-02-20. Review status: criteria provided, single submitter. Criteria: ICSL CNVClassificationCriteria Jul2020Prior. Collection method: clinical testing. Allele origin: unknown.
Comment: This CNV is a 10 Mb deletion of 15q26.1-q26.3, on chromosome 15, (seq[GRCh37]del(15)(q26.1q26.3); chr15:g.92335751-102399741del), found in a de novo state. This CNV constitutes a loss encompassing at least 70 genes and overlaps the 15q26 terminal deletion syndrome. The loss includes deletion of the IGF1R gene, which has been proposed as a candidate gene for several of the phenotypes associated with terminal deletions of 15q26 (O'Riordan et al. 2016). Growth hormone therapy in individuals affected with growth hormone resistance due to terminal 15q26 deletion has resulted in a moderate to dramatic response (Ho et al. 2015; Mahmoud et al. 2017). This CNV has not been reported in controls. Based on the collective evidence, this CNV is classified as pathogenic.

Literature cited by the submitters: PubMed 21242650; PubMed 22065603; PubMed 23603061; PubMed 25691414; PubMed 25924833; PubMed 27826649; PubMed 29142763.

GRCh37/hg19 15q26.1-26.3(chr15:92335751-102399741)x1

Genes: ADAMTS17 (ADAM metallopeptidase with thrombospondin type 1 motif 17; minus strand), ALDH1A3 (aldehyde dehydrogenase 1 family member A3; plus strand), ARRDC4 (arrestin domain containing 4; plus strand), ASB7 (ankyrin repeat and SOCS box containing 7; plus strand), C15orf32 (chromosome 15 putative open reading frame 32; plus strand) and 26 more. Cytogenetic location: 15q26.1-26.3.
Variant type: copy number loss.
Change: copy number 1 (one copy instead of two) of chr15:92,335,751-102,399,741 (10.06 Mb, GRCh37 coordinates, 1-based), cytogenetic band 15q26.1-26.3.
Identifiers: ClinVar variation 1180505 (VCV001180505.4).